The following is an entry in ClinVar:

NM_005559.4(LAMA1):c.1034del (p.Gln345fs)

Gene: LAMA1 (laminin subunit alpha 1; minus strand). Cytogenetic location: 18p11.31.
Variant type: Deletion.
Coding change: c.1034del on transcript NM_005559.4 (MANE Select); coding-DNA position 1034, one base deleted (A; older notation c.1034delA).
Protein change: p.Gln345fs; shifts the reading frame from glutamine 345.
Molecular consequence: frameshift variant.
Genome position (GRCh38, 1-based): chr18:7,043,348, T deleted on the plus strand (A on the coding strand, the reverse complement: LAMA1 is on the minus strand). VCF-style (leftmost placement, unchanged base first): chr18-7043347-CT-C. GRCh37 (hg19) VCF-style: chr18-7043346-CT-C.
Other names: c.1034del (NM_005559.3); short protein forms Q345fs.
Identifiers: ClinVar variation 1070170 (VCV001070170.8), dbSNP rs1373970320, ClinGen allele CA628484629.

ClinVar aggregate classification (germline): Pathogenic. Review status: criteria provided, multiple submitters, no conflicts (2 of 4 stars). 2 submissions from 2 submitters: Pathogenic (2). Last evaluated 2026-09-11.

Allele frequency attached by ClinVar (database versions not stated): gnomAD 0.00001; TOPMed 0.00001; gnomAD exomes below 0.00001.

Submissions (2):

GeneDx
Classification: Pathogenic. Last evaluated: 2026-09-11. Review status: criteria provided, single submitter. Criteria: GeneDx Variant Classification Process June 2021. Collection method: clinical testing. Allele origin: germline.
Comment: Frameshift variant predicted to result in protein truncation or nonsense mediated decay in a gene for which loss of function is a known mechanism of disease; Not observed at significant frequency in large population cohorts (gnomAD); This variant is associated with the following publications: (PMID: 31964843, 26932191, 25105227, 30902645, 38041506)

Labcorp Genetics (formerly Invitae), Labcorp
Classification: Pathogenic. Last evaluated: 2017-11-16. Review status: criteria provided, single submitter. Criteria: Invitae Variant Classification Sherloc (09022015). Collection method: clinical testing. Allele origin: germline.
Comment: For these reasons, this variant has been classified as Pathogenic. Loss-of-function variants in LAMA1 are known to be pathogenic (PMID: 25105227, 26932191). This variant has not been reported in the literature in individuals with LAMA1-related disease. This variant is not present in population databases (ExAC no frequency). This sequence change creates a premature translational stop signal (p.Gln345Argfs*5) in the LAMA1 gene. It is expected to result in an absent or disrupted protein product.

Literature cited by the submitters: PubMed 25105227 (cited by Labcorp Genetics (formerly Invitae), Labcorp); PubMed 26932191 (cited by Labcorp Genetics (formerly Invitae), Labcorp).